The following is an entry in ClinVar:

ClinVar aggregate classification (germline): Benign/Likely benign. Review status: criteria provided, multiple submitters, no conflicts (2 of 4 stars). 3 submissions from 3 submitters: Benign (1); Likely benign (2). Last evaluated 2026-08-14.

Conditions:
Charcot-Marie-Tooth disease axonal type 2S. Also called: CHARCOT-MARIE-TOOTH DISEASE, AXONAL, AUTOSOMAL RECESSIVE, TYPE 2S; CHARCOT-MARIE-TOOTH NEUROPATHY, TYPE 2S. Identifiers: Orphanet 443073, MedGen C4015349, MONDO:0014511, OMIM 616155.
Autosomal recessive distal spinal muscular atrophy 1. Also called: HMN VI; NEURONOPATHY, SEVERE INFANTILE AXONAL, WITH RESPIRATORY FAILURE; SEVERE INFANTILE AXONAL NEUROPATHY WITH RESPIRATORY FAILURE; SPINAL MUSCULAR ATROPHY, DIAPHRAGMATIC; NEUROPATHY, DISTAL HEREDITARY MOTOR, AUTOSOMAL RECESSIVE 1; NEURONOPATHY, DISTAL HEREDITARY MOTOR, HARDING TYPE VI. Identifiers: Orphanet 98920, MedGen C1858517, MONDO:0011436, OMIM 604320.
IGHMBP2-related disorder. Also called: IGHMBP2-related disorders; IGHMBP2-related condition.

Allele frequency attached by ClinVar (database versions not stated): gnomAD exomes 0.00005 and 0.00029; gnomAD 0.00010 and 0.00011; 1000 Genomes Project 30x 0.00016; 1000 Genomes Project 0.00020; TOPMed 0.00026; ExAC 0.00039.
gnomAD v4.1: 103 of 1,613,758 alleles (0.0064%); highest among the groups gnomAD compares: East Asian, 0.14%; no homozygotes.

Submissions (3):

PreventionGenetics, part of Exact Sciences
Classification: Likely benign for IGHMBP2-related condition. Last evaluated: 2026-08-14. Review status: criteria provided, single submitter. Criteria: ACMG Guidelines, 2015. Collection method: clinical testing. Allele origin: germline.
Comment: This variant is classified as likely benign based on ACMG/AMP sequence variant interpretation guidelines (Richards et al. 2015 PMID: 25741868, with internal and published modifications).

Labcorp Genetics (formerly Invitae), Labcorp
Classification: Benign for Autosomal recessive distal spinal muscular atrophy 1; Charcot-Marie-Tooth disease axonal type 2S. Last evaluated: 2025-10-28. Review status: criteria provided, single submitter. Criteria: Invitae Variant Classification Sherloc (09022015). Collection method: clinical testing. Allele origin: germline.

Blueprint Genetics
Classification: Likely benign. Last evaluated: 2024-11-20. Review status: criteria provided, single submitter. Criteria: ACMG Guidelines, 2015. Collection method: clinical testing. Allele origin: germline.

NM_002180.3(IGHMBP2):c.1149G>A (p.Ala383=)

Gene: IGHMBP2 (immunoglobulin mu DNA binding protein 2; plus strand). Cytogenetic location: 11q13.3.
Variant type: single nucleotide variant.
Coding change: c.1149G>A on transcript NM_002180.3 (MANE Select); coding-DNA position 1149, G replaced by A.
Protein change: p.Ala383=; no amino-acid change (alanine 383 retained).
Molecular consequence: synonymous variant.
Genome position (GRCh38, 1-based): chr11:68,929,271, G>A. VCF-style: chr11-68929271-G-A. GRCh37 (hg19) VCF-style: chr11-68696739-G-A.
Identifiers: ClinVar variation 703911 (VCV000703911.13), dbSNP rs201485072, ClinGen allele CA6153533.
Genomic context (GRCh38, chr11:68,929,271, plus strand): 5'-GCTGCCCGAGAGCTACTTCGACGTGGTGGTCATTGACGAGTGTGCCCAGGCCCTCGAGGC[G>A]AGCTGCTGGATCCCCCTGCTGAAGGCCAGAAAGTGCATCCTGGCGGGCGATCACAAGCAG-3'
Protein context (NP_002171.2, residues 373-393): VIDECAQALE[Ala383=]SCWIPLLKAR